The following is an entry in ClinVar:

ClinVar aggregate classification (germline): Uncertain significance (1 of 4 stars; one submission).

gnomAD v4.1: 16 of 1,614,184 alleles (0.00099%); highest among the groups gnomAD compares: Non-Finnish European, 0.0014%; no homozygotes.

Submission:

GeneDx
Classification: Uncertain significance. Last evaluated: 2025-07-20. Review status: criteria provided, single submitter. Criteria: GeneDx Variant Classification Process June 2021. Collection method: clinical testing. Allele origin: germline. Affected: yes.
Comment: Not observed at significant frequency in large population cohorts (gnomAD); In silico analysis suggests that this missense variant does not alter protein structure/function; Has not been previously published as pathogenic or benign to our knowledge

NM_014049.5(ACAD9):c.1761C>A (p.Asp587Glu)

Genes: ACAD9 (acyl-CoA dehydrogenase family member 9; plus strand), CFAP92 (cilia and flagella associated protein 92 (putative); minus strand). Cytogenetic location: 3q21.3.
Variant type: single nucleotide variant.
Coding change: c.1761C>A on transcript NM_014049.5 (MANE Select); coding-DNA position 1761, C replaced by A.
Protein change: p.Asp587Glu; replaces aspartic acid 587 with glutamic acid.
Molecular consequence: missense variant. On other transcripts: intron variant (3), non-coding transcript variant (1).
Genome position (GRCh38, 1-based): chr3:128,910,809, C>A. VCF-style: chr3-128910809-C-A. GRCh37 (hg19) VCF-style: chr3-128629652-C-A.
Other names: c.2312-476G>T (NM_001348521.2); c.2408-476G>T (NM_001348520.2); c.3281-476G>T (NM_001394090.1); c.1392C>A, p.Asp464Glu (NM_001410805.1); short protein forms D464E, D587E.
Identifiers: ClinVar variation 4686798 (VCV004686798.1).
Genomic context (GRCh38, chr3:128,910,809, plus strand): 5'-GGCCAACACCTTCTGCGTGGAAGCTTACTTGCAGAATCTCTTCAGCCTCTCTCAGCTGGA[C>A]AAGTGTGAGTGGCATGTCTTGGGGGAGGGAAGGAAGGGCCCACTTCTAGGCCCCTATTGA-3'
Protein context (NP_054768.2, residues 577-597): LQNLFSLSQL[Asp587Glu]KYAPENLDEQ